The following is an entry in ClinVar:

NM_001130823.3(DNMT1):c.45C>A (p.Val15=)

Genes: DNMT1 (DNA methyltransferase 1; minus strand), LOC130063472 (ATAC-STARR-seq lymphoblastoid silent region 10057; plus strand). Cytogenetic location: 19p13.2.
Variant type: single nucleotide variant.
Coding change: c.45C>A on transcript NM_001130823.3 (MANE Select); coding-DNA position 45, C replaced by A.
Protein change: p.Val15=; no amino-acid change (valine 15 retained).
Molecular consequence: synonymous variant. On other transcripts: 5 prime UTR variant (1).
Genome position (GRCh38, 1-based): chr19:10,194,855, G>T on the plus strand (C>A on the coding strand, the complement: DNMT1 is on the minus strand). VCF-style: chr19-10194855-G-T. GRCh37 (hg19) VCF-style: chr19-10305531-G-T.
Other names: c.45C>A, p.Val15= (NM_001318730.2, NM_001379.4); c.-279C>A (NM_001318731.2); c.45C>A (LRG_362t1, NM_001130823.2).
Identifiers: ClinVar variation 383102 (VCV000383102.7), dbSNP rs748347654, ClinGen allele CA9188878.

ClinVar aggregate classification (germline): Likely benign. Review status: criteria provided, multiple submitters, no conflicts (2 of 4 stars). 5 submissions from 5 submitters: Likely benign (5). Last evaluated 2026-09-09.

Conditions:
DNMT1-related disorder. Also called: DNMT1-related condition. Identifiers: MedGen CN381527.
Hereditary sensory neuropathy-deafness-dementia syndrome. Also called: Hereditary Sensory and Autonomic Neuropathy Type 1E (HSAN1E); HSN IE; Hereditary sensory neuropathy type IE; NEUROPATHY, HEREDITARY SENSORY, WITH HEARING LOSS AND DEMENTIA. Identifiers: Orphanet 456318, MedGen C3279885, MONDO:0013584, OMIM 614116.

Allele frequency attached by ClinVar (database versions not stated): gnomAD exomes below 0.00001 and 0.00002; ExAC 0.00001; gnomAD 0.00001; TOPMed 0.00001.
gnomAD v4.1: 28 of 1,611,550 alleles (0.0017%); highest among the groups gnomAD compares: Middle Eastern, 0.15%; no homozygotes.

Submissions (5):

PreventionGenetics, part of Exact Sciences
Classification: Likely benign for DNMT1-related condition. Last evaluated: 2026-09-09. Review status: criteria provided, single submitter. Criteria: ACMG Guidelines, 2015. Collection method: clinical testing. Allele origin: germline.
Comment: This variant is classified as likely benign based on ACMG/AMP sequence variant interpretation guidelines (Richards et al. 2015 PMID: 25741868, with internal and published modifications).

Labcorp Genetics (formerly Invitae), Labcorp
Classification: Likely benign for Hereditary sensory neuropathy-deafness-dementia syndrome. Last evaluated: 2026-01-27. Review status: criteria provided, single submitter. Criteria: Invitae Variant Classification Sherloc (09022015). Collection method: clinical testing. Allele origin: germline.

Blueprint Genetics
Classification: Likely benign. Last evaluated: 2024-10-30. Review status: criteria provided, single submitter. Criteria: ACMG Guidelines, 2015. Collection method: clinical testing. Allele origin: germline.

GeneDx
Classification: Likely benign. Last evaluated: 2016-01-22. Review status: criteria provided, single submitter. Criteria: GeneDx Variant Classification (06012015). Collection method: clinical testing. Allele origin: germline. Affected: yes.
Comment: This variant is considered likely benign or benign based on one or more of the following criteria: it is a conservative change, it occurs at a poorly conserved position in the protein, it is predicted to be benign by multiple in silico algorithms, and/or has population frequency not consistent with disease.

Breakthrough Genomics
Classification: Likely benign. Review status: criteria provided, single submitter. Criteria: ACMG Guidelines, 2015. Collection method: not provided. Allele origin: germline. Inheritance: Autosomal dominant inheritance. Affected: yes.